The following is an entry in ClinVar:

NM_003079.5(SMARCE1):c.1153A>G (p.Ser385Gly)

Gene: SMARCE1 (SWI/SNF related BAF chromatin remodeling complex subunit E1; minus strand). Cytogenetic location: 17q21.2.
Variant type: single nucleotide variant.
Coding change: c.1153A>G on transcript NM_003079.5 (MANE Select); coding-DNA position 1153, A replaced by G.
Protein change: p.Ser385Gly; replaces serine 385 with glycine.
Molecular consequence: missense variant.
Genome position (GRCh38, 1-based): chr17:40,628,868, T>C on the plus strand (A>G on the coding strand, the complement: SMARCE1 is on the minus strand). VCF-style: chr17-40628868-T-C. GRCh37 (hg19) VCF-style: chr17-38785120-T-C.
Other names: short protein forms S385G.
Identifiers: ClinVar variation 3375606 (VCV003375606.1).
Genomic context (GRCh38, chr17:40,628,868, plus strand): 5'-GTATGGGATCTGTTGGTGGCTCCTCCACTGTTGCACTGTTGCTCTCCGAGCCAGTGTTAC[T>C]ATCACTGGTTCCTTCCTCTGCCATACTGTCGACCCCCTCCTGCCCACTCTCCTTGTCCTC-3'
Protein context (NP_003070.3, residues 375-395): DSMAEEGTSD[Ser385Gly]NTGSESNSAT

ClinVar aggregate classification (germline): Uncertain significance (1 of 4 stars; one submission).

Submission:

GeneDx
Classification: Uncertain significance. Last evaluated: 2024-05-09. Review status: criteria provided, single submitter. Criteria: GeneDx Variant Classification Process June 2021. Collection method: clinical testing. Allele origin: germline. Affected: yes.
Comment: Not observed at significant frequency in large population cohorts (gnomAD); In silico analysis indicates that this missense variant does not alter protein structure/function; Has not been previously published as pathogenic or benign to our knowledge; This variant is associated with the following publications: (PMID: 19245665)